The following is an entry in ClinVar:

ClinVar aggregate classification (germline): Uncertain significance. Review status: criteria provided, multiple submitters, no conflicts (2 of 4 stars). 3 submissions from 3 submitters: Uncertain significance (3). Last evaluated 2025-12-31.

Conditions:
Combined immunodeficiency due to LRBA deficiency. Also called: Common variable immunodeficiency 8, with autoimmunity. Identifiers: Orphanet 445018, MedGen C3553512, MONDO:0013863, OMIM 614700.
Inborn genetic diseases. Identifiers: MedGen C0950123, MeSH D030342.

Allele frequency attached by ClinVar (database versions not stated): gnomAD exomes 0.00010 and 0.00024; ESP Exome Variant Server 0.00015; TOPMed 0.00010; ExAC 0.00012; gnomAD 0.00012.
gnomAD v4.1: 365 of 1,613,986 alleles (0.023%); highest among the groups gnomAD compares: Non-Finnish European, 0.03%; no homozygotes.

Submissions (3):

Labcorp Genetics (formerly Invitae), Labcorp
Classification: Uncertain significance for Combined immunodeficiency due to LRBA deficiency. Last evaluated: 2025-12-31. Review status: criteria provided, single submitter. Criteria: Invitae Variant Classification Sherloc (09022015). Collection method: clinical testing. Allele origin: germline.
Comment: This sequence change replaces proline, which is neutral and non-polar, with leucine, which is neutral and non-polar, at codon 1634 of the LRBA protein (p.Pro1634Leu). This variant is present in population databases (rs138285961, gnomAD 0.02%). This variant has not been reported in the literature in individuals affected with LRBA-related conditions. ClinVar contains an entry for this variant (Variation ID: 663167). Invitae Evidence Modeling of protein sequence and biophysical properties (such as structural, functional, and spatial information, amino acid conservation, physicochemical variation, residue mobility, and thermodynamic stability) indicates that this missense variant is not expected to disrupt LRBA protein function with a negative predictive value of 80%. In summary, the available evidence is currently insufficient to determine the role of this variant in disease. Therefore, it has been classified as a Variant of Uncertain Significance.

Ambry Genetics
Classification: Uncertain significance for Inborn genetic diseases. Last evaluated: 2025-10-02. Review status: criteria provided, single submitter. Criteria: Ambry Variant Classification Scheme 2023. Collection method: clinical testing. Allele origin: germline.

Blueprint Genetics
Classification: Uncertain significance. Last evaluated: 2024-10-17. Review status: criteria provided, single submitter. Criteria: ACMG Guidelines, 2015. Collection method: clinical testing. Allele origin: germline.

NM_001364905.1(LRBA):c.4901C>T (p.Pro1634Leu)

Gene: LRBA (LPS responsive beige-like anchor protein; minus strand). Cytogenetic location: 4q31.3.
Variant type: single nucleotide variant.
Coding change: c.4901C>T on transcript NM_001364905.1 (MANE Select); coding-DNA position 4901, C replaced by T.
Protein change: p.Pro1634Leu; replaces proline 1634 with leucine.
Molecular consequence: missense variant.
Genome position (GRCh38, 1-based): chr4:150,828,450, G>A on the plus strand (C>T on the coding strand, the complement: LRBA is on the minus strand). VCF-style: chr4-150828450-G-A. GRCh37 (hg19) VCF-style: chr4-151749602-G-A.
Other names: c.4901C>T, p.Pro1634Leu (NM_001199282.3, NM_001367550.1, NM_006726.5); short protein forms P1634L.
Identifiers: ClinVar variation 663167 (VCV000663167.9), dbSNP rs138285961, ClinGen allele CA3102627.